The following is an entry in ClinVar:

ClinVar aggregate classification (germline): Pathogenic (1 of 4 stars; one submission).

Submission:

Labcorp Genetics (formerly Invitae), Labcorp
Classification: Pathogenic. Last evaluated: 2025-09-15. Review status: criteria provided, single submitter. Criteria: Invitae Variant Classification Sherloc (09022015). Collection method: clinical testing. Allele origin: germline.
Comment: This sequence change creates a premature translational stop signal (p.Val580Glyfs*8) in the MSH3 gene. It is expected to result in an absent or disrupted protein product. Loss-of-function variants in MSH3 are known to be pathogenic (PMID: 27476653, 37402566). This variant is not present in population databases (gnomAD no frequency). This variant has not been reported in the literature in individuals affected with MSH3-related conditions. ClinVar contains an entry for this variant (Variation ID: 1412073). For these reasons, this variant has been classified as Pathogenic.

Literature cited by the submitters: PubMed 27476653; PubMed 37402566.

NM_002439.5(MSH3):c.1739del (p.Val580fs)

Gene: MSH3 (mutS homolog 3; plus strand). Cytogenetic location: 5q14.1.
Variant type: Deletion.
Coding change: c.1739del on transcript NM_002439.5 (MANE Select); coding-DNA position 1739, one base deleted (T; older notation c.1739delT).
Protein change: p.Val580fs; shifts the reading frame from valine 580.
Molecular consequence: frameshift variant.
Genome position (GRCh38, 1-based): chr5:80,744,591, T deleted. VCF-style (leftmost placement, unchanged base first): chr5-80744590-GT-G. GRCh37 (hg19) VCF-style: chr5-80040409-GT-G.
Other names: short protein forms V580fs.
Identifiers: ClinVar variation 1412073 (VCV001412073.6), dbSNP rs2112868967, ClinGen allele CA2573139883.